The following is an entry in ClinVar:

ClinVar aggregate classification (germline): Uncertain significance (1 of 4 stars; one submission).

Submission:

Ambry Genetics
Classification: Uncertain significance. Last evaluated: 2024-01-19. Review status: criteria provided, single submitter. Criteria: Ambry Variant Classification Scheme 2023. Collection method: clinical testing. Allele origin: germline.
Comment: The p.E1677V variant (also known as c.5030A>T), located in coding exon 16 of the POLQ gene, results from an A to T substitution at nucleotide position 5030. The glutamic acid at codon 1677 is replaced by valine, an amino acid with dissimilar properties. This amino acid position is conserved. In addition, this alteration is predicted to be tolerated by in silico analysis. Based on the available evidence, the clinical significance of this alteration remains unclear.

NM_199420.4(POLQ):c.5030A>T (p.Glu1677Val)

Gene: POLQ (DNA polymerase theta; minus strand). Cytogenetic location: 3q13.33.
Variant type: single nucleotide variant.
Coding change: c.5030A>T on transcript NM_199420.4 (MANE Select); coding-DNA position 5030, A replaced by T.
Protein change: p.Glu1677Val; replaces glutamic acid 1677 with valine.
Molecular consequence: missense variant.
Genome position (GRCh38, 1-based): chr3:121,487,901, T>A on the plus strand (A>T on the coding strand, the complement: POLQ is on the minus strand). VCF-style: chr3-121487901-T-A. GRCh37 (hg19) VCF-style: chr3-121206748-T-A.
Other names: short protein forms E1677V.
Identifiers: ClinVar variation 3230037 (VCV003230037.1), dbSNP rs2546785224, ClinGen allele CA354092304.